The following is an entry in ClinVar:

NM_005236.3(ERCC4):c.1983A>G (p.Ala661=)

Gene: ERCC4 (ERCC excision repair 4, endonuclease catalytic subunit; plus strand). Cytogenetic location: 16p13.12.
Variant type: single nucleotide variant.
Coding change: c.1983A>G on transcript NM_005236.3 (MANE Select); coding-DNA position 1983, A replaced by G.
Protein change: p.Ala661=; no amino-acid change (alanine 661 retained).
Molecular consequence: synonymous variant.
Genome position (GRCh38, 1-based): chr16:13,944,801, A>G. VCF-style: chr16-13944801-A-G. GRCh37 (hg19) VCF-style: chr16-14038658-A-G.
Identifiers: ClinVar variation 541253 (VCV000541253.12), dbSNP rs373237850, ClinGen allele CA7910628.

ClinVar aggregate classification (germline): Likely benign. Review status: criteria provided, multiple submitters, no conflicts (2 of 4 stars). 4 submissions from 4 submitters: Likely benign (4). Last evaluated 2025-07-27.

Conditions:
Xeroderma pigmentosum (XP). Identifiers: Orphanet 910, MedGen C0043346, MONDO:0019600.
Fanconi anemia complementation group Q. Identifiers: Orphanet 84, MedGen C3808988, MONDO:0014108, OMIM 615272.
Cockayne syndrome. Identifiers: Orphanet 191, MedGen C0009207, MONDO:0016006.
Xeroderma pigmentosum, group F (XPF). Also called: XERODERMA PIGMENTOSUM VI; XP, GROUP F; XERODERMA PIGMENTOSUM, COMPLEMENTATION GROUP F; ERCC4-Related Xeroderma Pigmentosum; XERODERMA PIGMENTOSUM, TYPE F; Xeroderma pigmentosum, type 6. Identifiers: MedGen C0268140, MONDO:0010215, OMIM 278760.

Allele frequency attached by ClinVar (database versions not stated): ESP Exome Variant Server 0.00008; gnomAD 0.00009; TOPMed 0.00010; ExAC 0.00011.
gnomAD v4.1: 276 of 1,613,624 alleles (0.017%); highest among the groups gnomAD compares: South Asian, 0.033%; 1 homozygote.

Submissions (4):

Labcorp Genetics (formerly Invitae), Labcorp
Classification: Likely benign for Fanconi anemia complementation group Q; Xeroderma pigmentosum, group F; Cockayne syndrome. Last evaluated: 2025-07-27. Review status: criteria provided, single submitter. Criteria: Invitae Variant Classification Sherloc (09022015). Collection method: clinical testing. Allele origin: germline.

Blueprint Genetics
Classification: Likely benign. Last evaluated: 2023-10-30. Review status: criteria provided, single submitter. Criteria: ACMG Guidelines, 2015. Collection method: clinical testing. Allele origin: germline.

Sema4
Classification: Likely benign for Xeroderma pigmentosum. Last evaluated: 2022-02-18. Review status: criteria provided, single submitter. Criteria: Sema4 Curation Guidelines. Collection method: curation. Allele origin: germline.

GeneDx
Classification: Likely benign. Last evaluated: 2019-11-27. Review status: criteria provided, single submitter. Criteria: GeneDx Variant Classification Process June 2021. Collection method: clinical testing. Allele origin: germline. Affected: yes.
Comment: See Variant Classification Assertion Criteria.